The following is an entry in ClinVar:

NM_152419.3(HGSNAT):c.998dup (p.Tyr333Ter)

Gene: HGSNAT (heparan-alpha-glucosaminide N-acetyltransferase; plus strand). Cytogenetic location: 8p11.21.
Variant type: Duplication.
Coding change: c.998dup on transcript NM_152419.3 (MANE Select); coding-DNA position 998, one base duplicated (A; older notation c.998dupA).
Protein change: p.Tyr333Ter; replaces tyrosine 333 with a stop codon.
Molecular consequence: nonsense. On other transcripts: intron variant (1).
Genome position (GRCh38, 1-based): chr8:43,178,220, A duplicated. VCF-style (leftmost placement, unchanged base first): chr8-43178219-T-TA. GRCh37 (hg19) VCF-style: chr8-43033362-T-TA.
Other names: c.998dup, p.Tyr333Ter (NM_001363227.2); c.134dup, p.Tyr45Ter (NM_001363229.2); c.821-3925dup (NM_001363228.2); short protein forms Y333*, Y45*.
Identifiers: ClinVar variation 5004383 (VCV005004383.1).

ClinVar aggregate classification (germline): Pathogenic (1 of 4 stars; one submission).

Conditions:
Mucopolysaccharidosis, MPS-III-C (MPS3C). Also called: SANFILIPPO SYNDROME C; MPS III C; Mucopolysaccharidosis type IIIC (Sanfilippo C); MUCOPOLYSACCHARIDOSIS, TYPE IIIC; mucopolysaccharidosis type 3C; MPS IIIC (Sanfilippo Syndrome Type C). Identifiers: Orphanet 581, Orphanet 79271, MedGen C0086649, MONDO:0009657, OMIM 252930.

Submission:

Myriad Genetics, Inc.
Classification: Pathogenic for Mucopolysaccharidosis, MPS-III-C. Last evaluated: 2026-01-12. Review status: criteria provided, single submitter. Criteria: Myriad Autosomal Dominant, Autosomal Recessive and X-Linked Classification Criteria (2023). Collection method: clinical testing. Allele origin: unknown.
Comment: NM_152419.2(HGSNAT):c.998dupA(Y333*) is a nonsense variant classified as pathogenic in the context of mucopolysaccharidosis type IIIC. Y333* has not been observed in cases with relevant disease. Relevant functional assessments of this variant are not available in the literature. Y333* has not been observed in referenced population frequency databases. In summary, NM_152419.2(HGSNAT):c.998dupA(Y333*) is a nonsense variant in a gene where loss of function is a known mechanism of disease and is predicted to disrupt protein function. Please note: this variant was assessed in the context of healthy population screening.